The following is an entry in ClinVar:

NM_002972.4(SBF1):c.2899A>G (p.Ile967Val)

Gene: SBF1 (SET binding factor 1; minus strand). Cytogenetic location: 22q13.33.
Variant type: single nucleotide variant.
Coding change: c.2899A>G on transcript NM_002972.4 (MANE Select); coding-DNA position 2899, A replaced by G.
Protein change: p.Ile967Val; replaces isoleucine 967 with valine.
Molecular consequence: missense variant.
Genome position (GRCh38, 1-based): chr22:50,461,227, T>C on the plus strand (A>G on the coding strand, the complement: SBF1 is on the minus strand). VCF-style: chr22-50461227-T-C. GRCh37 (hg19) VCF-style: chr22-50899656-T-C.
Other names: c.2902A>G, p.Ile968Val (NM_001365819.1); short protein forms I967V, I968V.
Identifiers: ClinVar variation 618354 (VCV000618354.9), dbSNP rs376364128, ClinGen allele CA10316984.
Genomic context (GRCh38, chr22:50,461,227, plus strand): 5'-TGCAGGAGCGCAGCTGGAGCCCGTCCTGCAGGAGCTGGTCCACAGGGGTCTGGACGCTGA[T>C]GCGCTTCTCCTTGGTCAGCGCAGCCACCGGGAAGGAGCGGACCACCACCTGCTCCCCAAC-3'
Protein context (NP_002963.2, residues 957-977): PVAALTKEKR[Ile967Val]SVQTPVDQLL

ClinVar aggregate classification (germline): Uncertain significance (1 of 4 stars; one submission).

Allele frequency attached by ClinVar (database versions not stated): gnomAD exomes below 0.00001 and 0.00001; ExAC 0.00002; gnomAD 0.00002; TOPMed 0.00004; ESP Exome Variant Server 0.00016.

Submission:

ARUP Laboratories, Molecular Genetics and Genomics, ARUP Laboratories
Classification: Uncertain significance. Last evaluated: 2017-11-17. Review status: criteria provided, single submitter. Criteria: ARUP Molecular Germline Variant Investigation Process. Collection method: clinical testing. Allele origin: germline.
Comment: The p.Ile967Val variant (rs376364128) has not been reported in the medical literature, is not listed in gene-specific variant databases, and is listed in the Genome Aggregation Database (gnomAD) browser with an allele frequency of 0.020% in the African population (identified in 3 out of 15,228 chromosomes). The isoleucine at codon 967 is highly conserved considering 12 species up to fruit fly (Alamut software v2.10.0), and computational analyses predict conflicting effects of this variant on protein structure/function (SIFT: tolerated, PolyPhen2: benign, MutationTaster: disease causing). Based on the available information, the clinical significance of the p.Ile967Val variant cannot be determined with certainty.